The following is an entry in ClinVar:

NM_000170.3(GLDC):c.646A>T (p.Arg216Trp)

Gene: GLDC (glycine decarboxylase; minus strand). Cytogenetic location: 9p24.1.
Variant type: single nucleotide variant.
Coding change: c.646A>T on transcript NM_000170.3 (MANE Select); coding-DNA position 646, A replaced by T.
Protein change: p.Arg216Trp; replaces arginine 216 with tryptophan.
Molecular consequence: missense variant.
Genome position (GRCh38, 1-based): chr9:6,606,659, T>A on the plus strand (A>T on the coding strand, the complement: GLDC is on the minus strand). VCF-style: chr9-6606659-T-A. GRCh37 (hg19) VCF-style: chr9-6606659-T-A.
Other names: short protein forms R216W.
Identifiers: ClinVar variation 1936907 (VCV001936907.5), dbSNP rs140411475, ClinGen allele CA372897744.
Genomic context (GRCh38, chr9:6,606,659, plus strand): 5'-GAGTCTGGACAACAGCTATTGTCTGTGGGTGGCAACGGGGATCAACGAGAAATTTCCTCC[T>A]CTTGTTGTGTCTGTTGAAAAGAAAAAGCACATTCCAACGTGAACATTAAATAAATAGGAC-3'
Protein context (NP_000161.2, residues 206-226): ALQLCYRHNK[Arg216Trp]RKFLVDPRCH

ClinVar aggregate classification (germline): Uncertain significance (1 of 4 stars; one submission).

Conditions:
Glycine encephalopathy. Also called: Non-ketotic hyperglycinemia; Nonketotic hyperglycinemia. Identifiers: Orphanet 407, MedGen C0751748, MONDO:0011612, HP:0008288.

gnomAD v4.1: 1 of 1,596,420 alleles (0.000063%); no homozygotes.

Submission:

Labcorp Genetics (formerly Invitae), Labcorp
Classification: Uncertain significance for Glycine encephalopathy. Last evaluated: 2025-02-24. Review status: criteria provided, single submitter. Criteria: Invitae Variant Classification Sherloc (09022015). Collection method: clinical testing. Allele origin: germline.
Comment: This sequence change replaces arginine, which is basic and polar, with tryptophan, which is neutral and slightly polar, at codon 216 of the GLDC protein (p.Arg216Trp). This variant is not present in population databases (gnomAD no frequency). This variant has not been reported in the literature in individuals affected with GLDC-related conditions. ClinVar contains an entry for this variant (Variation ID: 1936907). Invitae Evidence Modeling of protein sequence and biophysical properties (such as structural, functional, and spatial information, amino acid conservation, physicochemical variation, residue mobility, and thermodynamic stability) indicates that this missense variant is expected to disrupt GLDC protein function with a positive predictive value of 95%. In summary, the available evidence is currently insufficient to determine the role of this variant in disease. Therefore, it has been classified as a Variant of Uncertain Significance.